The following is an entry in ClinVar:

ClinVar aggregate classification (germline): Uncertain significance (1 of 4 stars; one submission).

Conditions:
Inborn genetic diseases. Identifiers: MedGen C0950123, MeSH D030342.

Submission:

Ambry Genetics
Classification: Uncertain significance for Inborn genetic diseases. Last evaluated: 2026-03-14. Review status: criteria provided, single submitter. Criteria: Ambry Variant Classification Scheme 2023. Collection method: clinical testing. Allele origin: germline.
Comment: The p.L44F variant (also known as c.130C>T), located in coding exon 2 of the BMPR2 gene, results from a C to T substitution at nucleotide position 130. The leucine at codon 44 is replaced by phenylalanine, an amino acid with highly similar properties. This amino acid position is conserved. In addition, the in silico prediction for this alteration is inconclusive. Based on the available evidence, the clinical significance of this variant remains unclear.

NM_001204.7(BMPR2):c.130C>T (p.Leu44Phe)

Gene: BMPR2 (bone morphogenetic protein receptor type 2; plus strand). Cytogenetic location: 2q33.1.
Variant type: single nucleotide variant.
Coding change: c.130C>T on transcript NM_001204.7 (MANE Select); coding-DNA position 130, C replaced by T.
Protein change: p.Leu44Phe; replaces leucine 44 with phenylalanine.
Molecular consequence: missense variant.
Genome position (GRCh38, 1-based): chr2:202,464,862, C>T. VCF-style: chr2-202464862-C-T. GRCh37 (hg19) VCF-style: chr2-203329585-C-T.
Other names: short protein forms L44F.
Identifiers: ClinVar variation 4827199 (VCV004827199.1).